The following is an entry in ClinVar:

NM_000023.4(SGCA):c.819G>T (p.Pro273=)

Gene: SGCA (sarcoglycan alpha; plus strand). Cytogenetic location: 17q21.33.
Variant type: single nucleotide variant.
Coding change: c.819G>T on transcript NM_000023.4 (MANE Select); coding-DNA position 819, G replaced by T.
Protein change: p.Pro273=; no amino-acid change (proline 273 retained).
Molecular consequence: synonymous variant. On other transcripts: intron variant (1).
Genome position (GRCh38, 1-based): chr17:50,170,214, G>T. VCF-style: chr17-50170214-G-T. GRCh37 (hg19) VCF-style: chr17-48247575-G-T.
Other names: c.585-426G>T (NM_001135697.3); c.819G>T (NM_000023.3).
Identifiers: ClinVar variation 281388 (VCV000281388.18), dbSNP rs35972733, ClinGen allele CA8643920.

ClinVar aggregate classification (germline): Conflicting classifications of pathogenicity. Review status: criteria provided, conflicting classifications (1 of 4 stars). 4 submissions from 4 submitters: Uncertain significance (1); Likely benign (1). 2 of the submissions do not count toward it. Last evaluated 2025-09-05.

Conditions:
SGCA-related disorder. Also called: SGCA-related condition.
Autosomal recessive limb-girdle muscular dystrophy type 2D (LGMDR3). Also called: ADHALINOPATHY, PRIMARY; MUSCULAR DYSTROPHY, LIMB-GIRDLE, AUTOSOMAL RECESSIVE 3; DUCHENNE-LIKE AUTOSOMAL RECESSIVE MUSCULAR DYSTROPHY, TYPE 2. Identifiers: Orphanet 62, MedGen C2936332, MONDO:0011968, OMIM 608099. Disease mechanism: Affects gamma-sarcoglycan and also disrupts the integrity of the entire sarcoglycan complex..

Allele frequency attached by ClinVar (database versions not stated): gnomAD 0.00013; 1000 Genomes Project 30x 0.00016; TOPMed 0.00016; 1000 Genomes Project 0.00020; ESP Exome Variant Server 0.00023.
gnomAD v4.1: 54 of 1,614,072 alleles (0.0033%); highest among the groups gnomAD compares: African/African-American, 0.06%; no homozygotes.

Submissions (4):

Labcorp Genetics (formerly Invitae), Labcorp
Classification: Likely benign for Autosomal recessive limb-girdle muscular dystrophy type 2D. Last evaluated: 2025-09-05. Review status: criteria provided, single submitter. Criteria: Invitae Variant Classification Sherloc (09022015). Collection method: clinical testing. Allele origin: germline.

Eurofins Ntd Llc (ga)
Classification: Uncertain significance. Last evaluated: 2016-02-15. Review status: criteria provided, single submitter. Criteria: EGL Classification Definitions 2015. Collection method: clinical testing. Allele origin: germline. Observed: 2 variant alleles, 2 heterozygotes.

PreventionGenetics, part of Exact Sciences
Classification: Likely benign for SGCA-related condition. Last evaluated: 2023-08-30. Review status: no assertion criteria provided. Collection method: clinical testing. Allele origin: germline. Not counted in ClinVar's aggregate classification.
Comment: This variant is classified as likely benign based on ACMG/AMP sequence variant interpretation guidelines (Richards et al. 2015 PMID: 25741868, with internal and published modifications).

Natera, Inc.
Classification: Likely benign for Limb-girdle muscular dystrophy type 2D. Last evaluated: 2020-06-03. Review status: no assertion criteria provided. Collection method: clinical testing. Allele origin: germline. Not counted in ClinVar's aggregate classification.